The following is an entry in ClinVar:

ClinVar aggregate classification (germline): Uncertain significance (1 of 4 stars; one submission).

Conditions:
Idiopathic generalized epilepsy. Also called: Generalised epilepsy; EIG. Identifiers: MedGen C0270850, MONDO:0005579, OMIM 600669.

Allele frequency attached by ClinVar (database versions not stated): gnomAD exomes below 0.00001; TOPMed below 0.00001.
gnomAD v4.1: 1 of 1,614,090 alleles (0.000062%); highest among the groups gnomAD compares: African/African-American, 0.0013%; no homozygotes.

Submission:

Labcorp Genetics (formerly Invitae), Labcorp
Classification: Uncertain significance for Idiopathic generalized epilepsy. Last evaluated: 2018-08-11. Review status: criteria provided, single submitter. Criteria: Invitae Variant Classification Sherloc (09022015). Collection method: clinical testing. Allele origin: germline.
Comment: This sequence change replaces tyrosine with histidine at codon 86 of the RBFOX1 protein (p.Tyr86His). The tyrosine residue is moderately conserved and there is a moderate physicochemical difference between tyrosine and histidine. This variant is not present in population databases (ExAC no frequency). This variant has not been reported in the literature in individuals with RBFOX1-related disease. Algorithms developed to predict the effect of missense changes on protein structure and function are either unavailable or do not agree on the potential impact of this missense change (SIFT: "Tolerated"; PolyPhen-2: "Probably Damaging"; Align-GVGD: "Class C0"). In summary, the available evidence is currently insufficient to determine the role of this variant in disease. Therefore, it has been classified as a Variant of Uncertain Significance.

NM_018723.4(RBFOX1):c.196T>C (p.Tyr66His)

Gene: RBFOX1 (RNA binding fox-1 homolog 1; plus strand). Cytogenetic location: 16p13.3.
Variant type: single nucleotide variant.
Coding change: c.196T>C on transcript NM_018723.4 (MANE Select); coding-DNA position 196, T replaced by C.
Protein change: p.Tyr66His; replaces tyrosine 66 with histidine.
Molecular consequence: missense variant.
Genome position (GRCh38, 1-based): chr16:7,518,315, T>C. VCF-style: chr16-7518315-T-C. GRCh37 (hg19) VCF-style: chr16-7568317-T-C.
Other names: c.196T>C, p.Tyr66His (NM_001142333.2, NM_001142334.2, NM_001364800.2); c.325T>C, p.Tyr109His (NM_001308117.1); c.256T>C, p.Tyr86His (NM_145891.3, NM_145892.3, NM_145893.3); short protein forms Y109H, Y66H, Y86H.
Identifiers: ClinVar variation 662826 (VCV000662826.9), dbSNP rs1600687118, ClinGen allele CA394796623.